The following is an entry in ClinVar:

NM_001256545.2(MEGF10):c.24C>A (p.Cys8Ter)

Gene: MEGF10 (multiple EGF like domains 10; plus strand). Cytogenetic location: 5q23.2.
Variant type: single nucleotide variant.
Coding change: c.24C>A on transcript NM_001256545.2 (MANE Select); coding-DNA position 24, C replaced by A.
Protein change: p.Cys8Ter; replaces cysteine 8 with a stop codon.
Molecular consequence: nonsense.
Genome position (GRCh38, 1-based): chr5:127,331,332, C>A. VCF-style: chr5-127331332-C-A. GRCh37 (hg19) VCF-style: chr5-126667024-C-A.
Other names: c.24C>A, p.Cys8Ter (NM_001308119.2, NM_001308121.2, NM_032446.3); short protein forms C8*.
Identifiers: ClinVar variation 3707639 (VCV003707639.2).
Genomic context (GRCh38, chr5:127,331,332, plus strand): 5'-GATTTTTTCTTTCTTGTAGGTTGTTCTTCAGAAAAAAATGGTTATTTCTTTGAACTCATG[C>A]CTGAGCTTTATTTGTTTATTGTTATGCCACTGGATTGGGACAGCATCACCTCTGAATCTT-3'

ClinVar aggregate classification (germline): Pathogenic (1 of 4 stars; one submission).

Conditions:
MEGF10-related myopathy (CMYO10A). Also called: Congenital myopathy 10A, severe variant. Identifiers: Orphanet 439212, MedGen C3280679, MONDO:0013731, OMIM 614399.

gnomAD v4.1: 4 of 1,611,956 alleles (0.00025%); highest among the groups gnomAD compares: East Asian, 0.0022%; no homozygotes.

Submission:

Labcorp Genetics (formerly Invitae), Labcorp
Classification: Pathogenic for MEGF10-related myopathy. Last evaluated: 2024-04-06. Review status: criteria provided, single submitter. Criteria: Invitae Variant Classification Sherloc (09022015). Collection method: clinical testing. Allele origin: germline.
Comment: This sequence change creates a premature translational stop signal (p.Cys8*) in the MEGF10 gene. It is expected to result in an absent or disrupted protein product. Loss-of-function variants in MEGF10 are known to be pathogenic (PMID: 22101682, 22371254, 23453856, 23954233). This variant is present in population databases (rs750377600, gnomAD 0.0009%). This variant has not been reported in the literature in individuals affected with MEGF10-related conditions. For these reasons, this variant has been classified as Pathogenic.

Literature cited by the submitters: PubMed 22101682; PubMed 22371254; PubMed 23453856; PubMed 23954233.